The following is an entry in ClinVar:

ClinVar aggregate classification (germline): Uncertain significance (1 of 4 stars; one submission).

Conditions:
Duchenne muscular dystrophy (DMD). Also called: MUSCULAR DYSTROPHY, PSEUDOHYPERTROPHIC PROGRESSIVE, DUCHENNE TYPE; Duchenne Muscular Dystrophy (DMD). Identifiers: Orphanet 98896, MedGen C0013264, MONDO:0010679, OMIM 310200.

Allele frequency attached by ClinVar (database versions not stated): gnomAD exomes below 0.00001; gnomAD 0.00002.
gnomAD v4.1: 3 of 1,208,314 alleles (0.00025%); highest among the groups gnomAD compares: Non-Finnish European, 0.00034%; no homozygotes.

Submission:

Labcorp Genetics (formerly Invitae), Labcorp
Classification: Uncertain significance for Duchenne muscular dystrophy. Last evaluated: 2025-12-29. Review status: criteria provided, single submitter. Criteria: Invitae Variant Classification Sherloc (09022015). Collection method: clinical testing. Allele origin: germline.
Comment: This sequence change replaces asparagine, which is neutral and polar, with serine, which is neutral and polar, at codon 184 of the DMD protein (p.Asn184Ser). The frequency data for this variant in the population databases is considered unreliable, as metrics indicate poor data quality at this position in the gnomAD database. This variant has not been reported in the literature in individuals affected with DMD-related conditions. ClinVar contains an entry for this variant (Variation ID: 1394726). Invitae Evidence Modeling of protein sequence and biophysical properties (such as structural, functional, and spatial information, amino acid conservation, physicochemical variation, residue mobility, and thermodynamic stability) indicates that this missense variant is not expected to disrupt DMD protein function with a negative predictive value of 95%. In summary, the available evidence is currently insufficient to determine the role of this variant in disease. Therefore, it has been classified as a Variant of Uncertain Significance.

NM_004006.3(DMD):c.551A>G (p.Asn184Ser)

Gene: DMD (dystrophin; minus strand). Cytogenetic location: Xp21.1.
Variant type: single nucleotide variant.
Coding change: c.551A>G on transcript NM_004006.3 (MANE Select); coding-DNA position 551, A replaced by G.
Protein change: p.Asn184Ser; replaces asparagine 184 with serine.
Molecular consequence: missense variant.
Genome position (GRCh38, 1-based): chrX:32,809,591, T>C on the plus strand (A>G on the coding strand, the complement: DMD is on the minus strand). VCF-style: chrX-32809591-T-C. GRCh37 (hg19) VCF-style: chrX-32827708-T-C.
Other names: c.527A>G, p.Asn176Ser (NM_000109.4); c.539A>G, p.Asn180Ser (NM_004009.3); c.182A>G, p.Asn61Ser (NM_004010.3); short protein forms N61S, N176S, N184S, N180S.
Identifiers: ClinVar variation 1394726 (VCV001394726.8), dbSNP rs1331056348, ClinGen allele CA412673962.